The following is an entry in ClinVar:

ClinVar aggregate classification (germline): Conflicting classifications of pathogenicity. Review status: criteria provided, conflicting classifications (1 of 4 stars). 3 submissions from 3 submitters: Uncertain significance (1); Likely benign (2). Last evaluated 2024-11-06.

Conditions:
Inborn genetic diseases. Identifiers: MedGen C0950123, MeSH D030342.
Familial hemophagocytic lymphohistiocytosis 2 (FHL2). Also called: PRF1-Related Familial Hemophagocytic Lymphohistiocytosis (PRF1-fHLH). Identifiers: Orphanet 540, MedGen C1863727, MONDO:0011337, OMIM 603553.

Allele frequency attached by ClinVar (database versions not stated): ExAC 0.00001; gnomAD exomes 0.00001.

Submissions (3):

Blueprint Genetics
Classification: Likely benign. Last evaluated: 2024-11-06. Review status: criteria provided, single submitter. Criteria: ACMG Guidelines, 2015. Collection method: clinical testing. Allele origin: germline.

Ambry Genetics
Classification: Likely benign for Inborn genetic diseases. Last evaluated: 2022-12-19. Review status: criteria provided, single submitter. Criteria: Ambry Variant Classification Scheme 2023. Collection method: clinical testing. Allele origin: germline.

Labcorp Genetics (formerly Invitae), Labcorp
Classification: Uncertain significance for Familial hemophagocytic lymphohistiocytosis 2. Last evaluated: 2022-01-26. Review status: criteria provided, single submitter. Criteria: Invitae Variant Classification Sherloc (09022015). Collection method: clinical testing. Allele origin: germline.
Comment: This sequence change replaces alanine, which is neutral and non-polar, with threonine, which is neutral and polar, at codon 206 of the PRF1 protein (p.Ala206Thr). This variant is present in population databases (rs781717112, gnomAD 0.006%). This variant has not been reported in the literature in individuals affected with PRF1-related conditions. Algorithms developed to predict the effect of missense changes on protein structure and function output the following: SIFT: "Tolerated"; PolyPhen-2: "Benign"; Align-GVGD: "Class C0". The threonine amino acid residue is found in multiple mammalian species, which suggests that this missense change does not adversely affect protein function. In summary, the available evidence is currently insufficient to determine the role of this variant in disease. Therefore, it has been classified as a Variant of Uncertain Significance.

NM_001083116.3(PRF1):c.616G>A (p.Ala206Thr)

Gene: PRF1 (perforin 1; minus strand). Cytogenetic location: 10q22.1.
Variant type: single nucleotide variant.
Coding change: c.616G>A on transcript NM_001083116.3 (MANE Select); coding-DNA position 616, G replaced by A.
Protein change: p.Ala206Thr; replaces alanine 206 with threonine.
Molecular consequence: missense variant.
Genome position (GRCh38, 1-based): chr10:70,599,105, C>T on the plus strand (G>A on the coding strand, the complement: PRF1 is on the minus strand). VCF-style: chr10-70599105-C-T. GRCh37 (hg19) VCF-style: chr10-72358861-C-T.
Other names: c.616G>A (NM_001083116.1); c.616G>A, p.Ala206Thr (NM_005041.6); short protein forms A206T.
Identifiers: ClinVar variation 1441409 (VCV001441409.5), dbSNP rs781717112, ClinGen allele CA5538961.